The following is an entry in ClinVar:

NM_000692.5(ALDH1B1):c.757G>A (p.Val253Met)

Gene: ALDH1B1 (aldehyde dehydrogenase 1 family member B1; plus strand). Cytogenetic location: 9p13.1.
Variant type: single nucleotide variant.
Coding change: c.757G>A on transcript NM_000692.5 (MANE Select); coding-DNA position 757, G replaced by A.
Protein change: p.Val253Met; replaces valine 253 with methionine.
Molecular consequence: missense variant.
Genome position (GRCh38, 1-based): chr9:38,396,505, G>A. VCF-style: chr9-38396505-G-A. GRCh37 (hg19) VCF-style: chr9-38396502-G-A.
Other names: p.V253M:GTG>ATG; short protein forms V253M.
Identifiers: ClinVar variation 136365 (VCV000136365.2), dbSNP rs4878199, ClinGen allele CA289398.

ClinVar aggregate classification (germline): Benign. Review status: criteria provided, multiple submitters, no conflicts (2 of 4 stars). 2 submissions from 2 submitters: Benign (2). Last evaluated 2013-09-09.

Allele frequency attached by ClinVar (database versions not stated): 1000 Genomes Project 0.93850; gnomAD exomes 0.95766 and 0.95681; 1000 Genomes Project 30x 0.93598; ExAC 0.95393; ESP Exome Variant Server 0.92188; gnomAD 0.92827 and 0.93145; TOPMed 0.92933.
gnomAD v4.1: 1,541,403 of 1,613,854 alleles (96%); highest among the groups gnomAD compares: East Asian, 100%; 736,517 homozygotes.

Submissions (2):

GeneDx
Classification: Benign. Last evaluated: 2013-09-09. Review status: criteria provided, single submitter. Criteria: GeneDx Variant Classification (06012015). Collection method: clinical testing. Allele origin: germline. Affected: yes.
Comment: This variant is considered likely benign or benign based on one or more of the following criteria: it is a conservative change, it occurs at a poorly conserved position in the protein, it is predicted to be benign by multiple in silico algorithms, and/or has population frequency not consistent with disease.

Breakthrough Genomics
Classification: Benign. Review status: criteria provided, single submitter. Criteria: ACMG Guidelines, 2015. Collection method: not provided. Allele origin: germline. Inheritance: Unknown mechanism. Affected: yes.